The following is an entry in ClinVar:

ClinVar aggregate classification (germline): Likely benign. Review status: criteria provided, multiple submitters, no conflicts (2 of 4 stars). 3 submissions from 3 submitters: Likely benign (3). Last evaluated 2025-11-03.

Conditions:
Cone-rod dystrophy 6 (CORD6). Also called: Cone dystrophy progressive; RETINAL CONE DYSTROPHY 2. Identifiers: Orphanet 1872, MedGen C1866293, MONDO:0011143, OMIM 601777.
Leber congenital amaurosis 1 (LCA1). Also called: Congenital absence of the rods and cones; Leber's congenital tapetoretinal degeneration; Leber's congenital tapetoretinal dysplasia; AMAUROSIS CONGENITA OF LEBER I; RETINAL BLINDNESS, CONGENITAL. Identifiers: Orphanet 65, MedGen C2931258, MONDO:0008764, OMIM 204000.

Allele frequency attached by ClinVar (database versions not stated): gnomAD 0.00001; TOPMed 0.00005; 1000 Genomes Project 30x 0.00016.
gnomAD v4.1: 20 of 1,525,958 alleles (0.0013%); highest among the groups gnomAD compares: East Asian, 0.038%; no homozygotes.

Submissions (3):

Labcorp Genetics (formerly Invitae), Labcorp
Classification: Likely benign for Leber congenital amaurosis 1; Cone-rod dystrophy 6. Last evaluated: 2025-11-03. Review status: criteria provided, single submitter. Criteria: Invitae Variant Classification Sherloc (09022015). Collection method: clinical testing. Allele origin: germline.

CeGaT Center for Human Genetics Tuebingen
Classification: Likely benign. Last evaluated: 2025-02-01. Review status: criteria provided, single submitter. Criteria: CeGaT Center For Human Genetics Tuebingen Variant Classification Criteria Version 2. Collection method: clinical testing. Allele origin: germline. Affected: yes. Observed: 1 variant allele.
Comment: GUCY2D: BP4, BP7

Blueprint Genetics
Classification: Likely benign. Last evaluated: 2022-11-03. Review status: criteria provided, single submitter. Criteria: ACMG Guidelines, 2015. Collection method: clinical testing. Allele origin: germline.

NM_000180.4(GUCY2D):c.435C>A (p.Ile145=)

Gene: GUCY2D (guanylate cyclase 2D, retinal; plus strand). Cytogenetic location: 17p13.1.
Variant type: single nucleotide variant.
Coding change: c.435C>A on transcript NM_000180.4 (MANE Select); coding-DNA position 435, C replaced by A.
Protein change: p.Ile145=; no amino-acid change (isoleucine 145 retained).
Molecular consequence: synonymous variant.
Genome position (GRCh38, 1-based): chr17:8,003,482, C>A. VCF-style: chr17-8003482-C-A. GRCh37 (hg19) VCF-style: chr17-7906800-C-A.
Identifiers: ClinVar variation 1120349 (VCV001120349.23), dbSNP rs904414208, ClinGen allele CA287523200.